The following is an entry in ClinVar:

ClinVar aggregate classification (germline): Uncertain significance. Review status: criteria provided, multiple submitters, no conflicts (2 of 4 stars). 2 submissions from 2 submitters: Uncertain significance (2). Last evaluated 2026-01-26.

Conditions:
Inborn genetic diseases. Identifiers: MedGen C0950123, MeSH D030342.
Acrocallosal syndrome (ACLS). Also called: HALLUX DUPLICATION, POSTAXIAL POLYDACTYLY, AND ABSENCE OF CORPUS CALLOSUM; Schinzel syndrome 1; Absence of corpus callosum with unusual facial appearance, mental deficiency, duplication of the halluces and polydactyly. Identifiers: Orphanet 36, MedGen C0796147, MONDO:0008708, OMIM 200990.

Allele frequency attached by ClinVar (database versions not stated): TOPMed 0.00005; ESP Exome Variant Server 0.00008.

Submissions (2):

Labcorp Genetics (formerly Invitae), Labcorp
Classification: Uncertain significance for Acrocallosal syndrome. Last evaluated: 2026-01-26. Review status: criteria provided, single submitter. Criteria: Invitae Variant Classification Sherloc (09022015). Collection method: clinical testing. Allele origin: germline.
Comment: This sequence change replaces alanine, which is neutral and non-polar, with aspartic acid, which is acidic and polar, at codon 1258 of the KIF7 protein (p.Ala1258Asp). This variant is present in population databases (rs367833833, gnomAD 0.009%). This variant has not been reported in the literature in individuals affected with KIF7-related conditions. ClinVar contains an entry for this variant (Variation ID: 2263437). Invitae Evidence Modeling of protein sequence and biophysical properties (such as structural, functional, and spatial information, amino acid conservation, physicochemical variation, residue mobility, and thermodynamic stability) indicates that this missense variant is not expected to disrupt KIF7 protein function with a negative predictive value of 80%. In summary, the available evidence is currently insufficient to determine the role of this variant in disease. Therefore, it has been classified as a Variant of Uncertain Significance.

Ambry Genetics
Classification: Uncertain significance for Inborn genetic diseases. Last evaluated: 2024-01-19. Review status: criteria provided, single submitter. Criteria: Ambry Variant Classification Scheme 2023. Collection method: clinical testing. Allele origin: germline.

NM_198525.3(KIF7):c.3773C>A (p.Ala1258Asp)

Gene: KIF7 (kinesin family member 7; minus strand). Cytogenetic location: 15q26.1.
Variant type: single nucleotide variant.
Coding change: c.3773C>A on transcript NM_198525.3 (MANE Select); coding-DNA position 3773, C replaced by A.
Protein change: p.Ala1258Asp; replaces alanine 1258 with aspartic acid.
Molecular consequence: missense variant.
Genome position (GRCh38, 1-based): chr15:89,628,678, G>T on the plus strand (C>A on the coding strand, the complement: KIF7 is on the minus strand). VCF-style: chr15-89628678-G-T. GRCh37 (hg19) VCF-style: chr15-90171909-G-T.
Other names: c.3773C>A (NM_198525.2); short protein forms A1258D.
Identifiers: ClinVar variation 2263437 (VCV002263437.7), dbSNP rs367833833, ClinGen allele CA274562963.